The following is an entry in ClinVar:

NM_001042492.3(NF1):c.3461A>T (p.Asn1154Ile)

Gene: NF1 (neurofibromin 1; plus strand). Cytogenetic location: 17q11.2.
Variant type: single nucleotide variant.
Coding change: c.3461A>T on transcript NM_001042492.3 (MANE Select); coding-DNA position 3461, A replaced by T.
Protein change: p.Asn1154Ile; replaces asparagine 1154 with isoleucine.
Molecular consequence: missense variant.
Genome position (GRCh38, 1-based): chr17:31,232,846, A>T. VCF-style: chr17-31232846-A-T. GRCh37 (hg19) VCF-style: chr17-29559864-A-T.
Other names: c.3461A>T, p.Asn1154Ile (NM_000267.4); short protein forms N1154I.
Identifiers: ClinVar variation 404612 (VCV000404612.18), dbSNP rs371544233, ClinGen allele CA16615630.

ClinVar aggregate classification (germline): Pathogenic/Likely pathogenic. Review status: criteria provided, multiple submitters, no conflicts (2 of 4 stars). 7 submissions from 7 submitters: Pathogenic (2); Likely pathogenic (5). Last evaluated 2026-10-08.

Conditions:
Neurofibromatosis, type 1 (NF1). Also called: Peripheral type neurofibromatosis; Neurofibromatosis, type I; VON RECKLINGHAUSEN DISEASE; NEUROFIBROMATOSIS, TYPE I, SOMATIC. Identifiers: Orphanet 636, MedGen C0027831, MONDO:0018975, OMIM 162200. Disease mechanism: loss of function.
NF1-related disorder. Also called: NF1-related condition. Identifiers: MedGen CN379171.

Submissions (7):

GeneDx
Classification: Likely pathogenic. Last evaluated: 2026-10-08. Review status: criteria provided, single submitter. Criteria: GeneDx Variant Classification Process June 2021. Collection method: clinical testing. Allele origin: germline.
Comment: In silico analysis supports that this missense variant has a deleterious effect on protein structure/function; Not observed at significant frequency in large population cohorts (gnomAD); This variant is associated with the following publications: (PMID: 23656349, Apuntate2026[CaseReport], 22807134, 2121369, 25486365, 42494399)

Labcorp Genetics (formerly Invitae), Labcorp
Classification: Pathogenic for Neurofibromatosis, type 1. Last evaluated: 2025-11-27. Review status: criteria provided, single submitter. Criteria: Invitae Variant Classification Sherloc (09022015). Collection method: clinical testing. Allele origin: germline.
Comment: This sequence change replaces asparagine, which is neutral and polar, with isoleucine, which is neutral and non-polar, at codon 1154 of the NF1 protein (p.Asn1154Ile). This variant is not present in population databases (gnomAD no frequency). This missense change has been observed in individual(s) with neurofibromatosis type 1 (NF1) (PMID: 23656349; internal data). In at least one individual the variant was observed to be de novo. Invitae Evidence Modeling of clinical and family history, age, sex, and reported ancestry of multiple individuals with this NF1 variant has been performed. This variant is expected to be pathogenic with a positive predictive value of at least 99%. This is a validated machine learning model that incorporates the clinical features of 1,785,918 individuals referred to our laboratory for NF1 testing. ClinVar contains an entry for this variant (Variation ID: 404612). Invitae Evidence Modeling of protein sequence and biophysical properties (such as structural, functional, and spatial information, amino acid conservation, physicochemical variation, residue mobility, and thermodynamic stability) indicates that this missense variant is expected to disrupt NF1 protein function with a positive predictive value of 95%. For these reasons, this variant has been classified as Pathogenic.

NHS Central & South Genomic Laboratory Hub
Classification: Likely pathogenic for Neurofibromatosis type 1. Last evaluated: 2025-04-09. Review status: criteria provided, single submitter. Criteria: ACMG Guidelines, 2015. Collection method: clinical testing. Allele origin: germline. Affected: yes.

Blueprint Genetics
Classification: Likely pathogenic for NF1-related disorders. Last evaluated: 2022-08-17. Review status: criteria provided, single submitter. Criteria: ACMG Guidelines, 2015. Collection method: clinical testing. Allele origin: germline. Affected: yes. Observed: 1 variant allele.

Mendelics
Classification: Pathogenic for Neurofibromatosis, type 1. Last evaluated: 2022-05-04. Review status: criteria provided, single submitter. Criteria: Mendelics Assertion Criteria 2019. Collection method: clinical testing. Allele origin: germline.

Genome-Nilou Lab
Classification: Likely pathogenic for Neurofibromatosis, type 1. Last evaluated: 2022-03-15. Review status: criteria provided, single submitter. Criteria: ACMG Guidelines, 2015. Collection method: clinical testing. Allele origin: germline. Affected: no.

Centre of Medical Genetics, University Hospital Muenster
Classification: Likely pathogenic for Neurofibromatosis, type 1. Last evaluated: 2022-01-24. Review status: criteria provided, single submitter. Criteria: ACMG Guidelines, 2015. Collection method: clinical testing. Allele origin: unknown. Affected: yes. Observed: 1 variant allele, 1 heterozygote.
Comment: ACMG categories: PM2,PP3,PP4,PP5

Literature cited by the submitters: PubMed 23656349 (cited by Labcorp Genetics (formerly Invitae), Labcorp).